The following is an entry in ClinVar:

NM_001130823.3(DNMT1):c.4324C>G (p.Arg1442Gly)

Gene: DNMT1 (DNA methyltransferase 1; minus strand). Cytogenetic location: 19p13.2.
Variant type: single nucleotide variant.
Coding change: c.4324C>G on transcript NM_001130823.3 (MANE Select); coding-DNA position 4324, C replaced by G.
Protein change: p.Arg1442Gly; replaces arginine 1442 with glycine.
Molecular consequence: missense variant.
Genome position (GRCh38, 1-based): chr19:10,137,250, G>C on the plus strand (C>G on the coding strand, the complement: DNMT1 is on the minus strand). VCF-style: chr19-10137250-G-C. GRCh37 (hg19) VCF-style: chr19-10247926-G-C.
Other names: c.4276C>G, p.Arg1426Gly (NM_001318730.2, NM_001379.4); c.3961C>G, p.Arg1321Gly (NM_001318731.2); short protein forms R1426G, R1442G, R1321G.
Identifiers: ClinVar variation 3682428 (VCV003682428.2).

ClinVar aggregate classification (germline): Uncertain significance (1 of 4 stars; one submission).

Conditions:
Hereditary sensory neuropathy-deafness-dementia syndrome. Also called: NEUROPATHY, HEREDITARY SENSORY, WITH HEARING LOSS AND DEMENTIA; Hereditary Sensory and Autonomic Neuropathy Type 1E (HSAN1E); HSN IE; Hereditary sensory neuropathy type IE. Identifiers: Orphanet 456318, MedGen C3279885, MONDO:0013584, OMIM 614116.

gnomAD v4.1: 2 of 1,609,348 alleles (0.00012%); highest among the groups gnomAD compares: Non-Finnish European, 0.00017%; no homozygotes.

Submission:

Labcorp Genetics (formerly Invitae), Labcorp
Classification: Uncertain significance for Hereditary sensory neuropathy-deafness-dementia syndrome. Last evaluated: 2024-10-02. Review status: criteria provided, single submitter. Criteria: Invitae Variant Classification Sherloc (09022015). Collection method: clinical testing. Allele origin: germline.
Comment: This sequence change replaces arginine, which is basic and polar, with glycine, which is neutral and non-polar, at codon 1442 of the DNMT1 protein (p.Arg1442Gly). This variant is not present in population databases (gnomAD no frequency). This variant has not been reported in the literature in individuals affected with DNMT1-related conditions. Invitae Evidence Modeling of protein sequence and biophysical properties (such as structural, functional, and spatial information, amino acid conservation, physicochemical variation, residue mobility, and thermodynamic stability) indicates that this missense variant is not expected to disrupt DNMT1 protein function with a negative predictive value of 80%. In summary, the available evidence is currently insufficient to determine the role of this variant in disease. Therefore, it has been classified as a Variant of Uncertain Significance.